The following is an entry in ClinVar:

ClinVar aggregate classification (germline): Uncertain significance (1 of 4 stars; one submission).

Conditions:
Hypertrophic cardiomyopathy 14. Identifiers: MedGen C2750467, MONDO:0013197, OMIM 613251.

Submission:

Labcorp Genetics (formerly Invitae), Labcorp
Classification: Uncertain significance for Hypertrophic cardiomyopathy 14. Last evaluated: 2024-09-17. Review status: criteria provided, single submitter. Criteria: Invitae Variant Classification Sherloc (09022015). Collection method: clinical testing. Allele origin: germline.
Comment: This sequence change replaces alanine, which is neutral and non-polar, with serine, which is neutral and polar, at codon 1130 of the MYH6 protein (p.Ala1130Ser). This variant is present in population databases (rs28730771, gnomAD 0.003%). This variant has not been reported in the literature in individuals affected with MYH6-related conditions. Invitae Evidence Modeling of protein sequence and biophysical properties (such as structural, functional, and spatial information, amino acid conservation, physicochemical variation, residue mobility, and thermodynamic stability) indicates that this missense variant is not expected to disrupt MYH6 protein function with a negative predictive value of 80%. In summary, the available evidence is currently insufficient to determine the role of this variant in disease. Therefore, it has been classified as a Variant of Uncertain Significance.

NM_002471.4(MYH6):c.3388G>T (p.Ala1130Ser)

Gene: MYH6 (myosin heavy chain 6; minus strand). Cytogenetic location: 14q11.2.
Variant type: single nucleotide variant.
Coding change: c.3388G>T on transcript NM_002471.4 (MANE Select); coding-DNA position 3388, G replaced by T.
Protein change: p.Ala1130Ser; replaces alanine 1130 with serine.
Molecular consequence: missense variant.
Genome position (GRCh38, 1-based): chr14:23,390,401, C>A on the plus strand (G>T on the coding strand, the complement: MYH6 is on the minus strand). VCF-style: chr14-23390401-C-A. GRCh37 (hg19) VCF-style: chr14-23859610-C-A.
Other names: short protein forms A1130S.
Identifiers: ClinVar variation 3620624 (VCV003620624.2).